The following is an entry in ClinVar:

ClinVar aggregate classification (germline): Pathogenic (1 of 4 stars; one submission).

Conditions:
Ehlers-Danlos syndrome, classic type, 1 (EDSCL1). Also called: Ehlers-Danlos Syndrome, Classic Type, COL5A1-Related; EHLERS-DANLOS SYNDROME, GRAVIS TYPE; EHLERS-DANLOS SYNDROME, SEVERE CLASSIC TYPE; Ehlers-Danlos syndrome, type 1; EDS I. Identifiers: MedGen C0268335, MONDO:0019567, OMIM 130000.
Osteogenesis imperfecta type I (OI1). Also called: OI, TYPE I; OSTEOGENESIS IMPERFECTA TARDA; OSTEOGENESIS IMPERFECTA WITH BLUE SCLERAE; Osteogenesis imperfecta type 1; Classic Non-deforming Osteogenesis Imperfecta with Blue Sclerae; Lobstein's Disease. Identifiers: Orphanet 216796, Orphanet 666, MedGen C0023931, MONDO:0008146, OMIM 166200. Disease mechanism: loss of function.

Submission:

Labcorp Genetics (formerly Invitae), Labcorp
Classification: Pathogenic for Osteogenesis imperfecta type I; Ehlers-Danlos syndrome, classic type, 1. Last evaluated: 2022-10-31. Review status: criteria provided, single submitter. Criteria: Invitae Variant Classification Sherloc (09022015). Collection method: clinical testing. Allele origin: germline.
Comment: This variant is not present in population databases (gnomAD no frequency). This sequence change falls in intron 21 of the COL1A2 gene. It does not directly change the encoded amino acid sequence of the COL1A2 protein. RNA analysis indicates that this variant induces altered splicing and likely results in a shortened protein product. This variant has been observed in individual(s) with autosomal dominant osteogenesis imperfecta (PMID: 17078022). For these reasons, this variant has been classified as Pathogenic. This variant disrupts the triple helix domain of COL1A2. Glycine residues within the Gly-Xaa-Yaa repeats of the triple helix domain are required for the structure and stability of fibrillar collagens (PMID: 7695699, 8218237, 19344236). In COL1A2, variants affecting these glycine residues are significantly enriched in individuals with disease (PMID: 9016532, 17078022) compared to the general population (ExAC). Variants that disrupt the consensus splice site are a relatively common cause of aberrant splicing (PMID: 17576681, 9536098). Studies have shown that this variant results in skipping of exon 21, but is expected to preserve the integrity of the reading-frame (PMID: 17078022). This variant is also known as g.17903G>C, IVS21+5G>C.

Literature cited by the submitters: PubMed 17078022; PubMed 7695699; PubMed 8218237; PubMed 19344236; PubMed 9016532; PubMed 17576681; PubMed 9536098.

NM_000089.4(COL1A2):c.1197+5G>C

Gene: COL1A2 (collagen type I alpha 2 chain; plus strand). Cytogenetic location: 7q21.3.
Variant type: single nucleotide variant.
Coding change: c.1197+5G>C on transcript NM_000089.4 (MANE Select); 5 bases into the intron after coding-DNA position 1197, G replaced by C.
Molecular consequence: intron variant.
Genome position (GRCh38, 1-based): chr7:94,410,532, G>C. VCF-style: chr7-94410532-G-C. GRCh37 (hg19) VCF-style: chr7-94039844-G-C.
Identifiers: ClinVar variation 2136563 (VCV002136563.4), dbSNP rs68132885, ClinGen allele CA162921231.